The following is an entry in ClinVar:

ClinVar aggregate classification (germline): Uncertain significance. Review status: criteria provided, multiple submitters, no conflicts (2 of 4 stars). 2 submissions from 2 submitters: Uncertain significance (2). Last evaluated 2025-11-02.

Conditions:
NEK8-related disorder. Also called: NEK8-related condition.
Renal-hepatic-pancreatic dysplasia 2 (RHPD2). Identifiers: MedGen C3809434, MONDO:0014174, OMIM 615415.
Nephronophthisis 9 (NPHP9). Identifiers: Orphanet 655, MedGen C3151188, MONDO:0013444, OMIM 613824.
Polycystic kidney disease 8. Identifiers: MedGen C5935640, MONDO:0971178, OMIM 620903.

Submissions (2):

PreventionGenetics, part of Exact Sciences
Classification: Uncertain significance for NEK8-related condition. Last evaluated: 2025-11-02. Review status: criteria provided, single submitter. Criteria: ACMG Guidelines, 2015. Collection method: clinical testing. Allele origin: germline.
Comment: The NEK8 c.675C>A variant is predicted to result in the amino acid substitution p.Asp225Glu. To our knowledge, this variant has not been reported in the literature or in a large population database (gnomAD), indicating this variant is rare. Of note, this variant is located within the autosomal dominant polycystic kidney disease (ADPKD)-related kinase domain which spans approximately from codons 1 to 258 (Figure 2, Claus et al. 2023. PubMed ID: 37598857). A different substitution at the same codon, defined as c.673G>C (p.Asp225His), was reported with another missense variant in an individual with autosomal recessive nephronophthisis (Bekheirnia et al. 2021. PubMed ID: 35368817). At this time, the clinical significance of the c.675C>A (p.Asp225Glu) variant is uncertain due to the absence of conclusive functional and genetic evidence.

Fulgent Genetics
Classification: Uncertain significance for Nephronophthisis 9; Renal-hepatic-pancreatic dysplasia 2; Polycystic kidney disease 8. Last evaluated: 2024-03-14. Review status: criteria provided, single submitter. Criteria: ACMG Guidelines, 2015. Collection method: clinical testing. Allele origin: germline.

NM_178170.3(NEK8):c.675C>A (p.Asp225Glu)

Gene: NEK8 (NIMA related kinase 8; plus strand). Cytogenetic location: 17q11.2.
Variant type: single nucleotide variant.
Coding change: c.675C>A on transcript NM_178170.3 (MANE Select); coding-DNA position 675, C replaced by A.
Protein change: p.Asp225Glu; replaces aspartic acid 225 with glutamic acid.
Molecular consequence: missense variant.
Genome position (GRCh38, 1-based): chr17:28,737,362, C>A. VCF-style: chr17-28737362-C-A. GRCh37 (hg19) VCF-style: chr17-27064380-C-A.
Other names: c.675C>A (NM_178170.2); short protein forms D225E.
Identifiers: ClinVar variation 3581753 (VCV003581753.2).